The following is an entry in ClinVar:

ClinVar aggregate classification (germline): Conflicting classifications of pathogenicity. Review status: criteria provided, conflicting classifications (1 of 4 stars). 5 submissions from 4 submitters: Uncertain significance (2); Likely benign (2). 1 of the submissions does not count toward it. Last evaluated 2025-11-08.

Conditions:
CC2D2A-related disorder. Also called: CC2D2A-related disorders; CC2D2A-related condition. Identifiers: MedGen CN239313.
Meckel-Gruber syndrome. Also called: Dysencephalia splachnocystica; DYSENCEPHALIA SPLANCHNOCYSTICA; GRUBER SYNDROME. Identifiers: Orphanet 564, MedGen C0265215, MONDO:0018921.
Joubert syndrome. Also called: JOUBERT-BOLTSHAUSER SYNDROME; Familial aplasia of the vermis. Identifiers: Orphanet 475, MedGen C5979921, MONDO:0018772.
Meckel syndrome, type 6. Identifiers: Orphanet 564, MedGen C2676790, MONDO:0012848, OMIM 612284.
Joubert syndrome 9 (JBTS9). Identifiers: Orphanet 2318, MedGen C2676788, MONDO:0012849, OMIM 612285.

Allele frequency attached by ClinVar (database versions not stated): ExAC below 0.00001; gnomAD 0.00001; gnomAD exomes 0.00001; TOPMed 0.00002.
gnomAD v4.1: 11 of 1,562,590 alleles (0.0007%); highest among the groups gnomAD compares: Admixed American, 0.012%; no homozygotes.

Submissions (5):

Labcorp Genetics (formerly Invitae), Labcorp
Classification: Likely benign for Joubert syndrome; Meckel-Gruber syndrome. Last evaluated: 2025-11-08. Review status: criteria provided, single submitter. Criteria: Invitae Variant Classification Sherloc (09022015). Collection method: clinical testing. Allele origin: germline.

Blueprint Genetics
Classification: Likely benign. Last evaluated: 2022-08-27. Review status: criteria provided, single submitter. Criteria: ACMG Guidelines, 2015. Collection method: clinical testing. Allele origin: germline.

Illumina Laboratory Services, Illumina
Classification: Uncertain significance for Meckel syndrome, type 6. Last evaluated: 2018-01-12. Review status: criteria provided, single submitter. Criteria: ICSL Variant Classification Criteria 13 December 2019. Collection method: clinical testing. Allele origin: germline.

Illumina Laboratory Services, Illumina
Classification: Uncertain significance for Joubert syndrome 9. Last evaluated: 2018-01-12. Review status: criteria provided, single submitter. Criteria: ICSL Variant Classification Criteria 13 December 2019. Collection method: clinical testing. Allele origin: germline.

PreventionGenetics, part of Exact Sciences
Classification: Likely benign for CC2D2A-related condition. Last evaluated: 2024-03-20. Review status: no assertion criteria provided. Collection method: clinical testing. Allele origin: germline. Not counted in ClinVar's aggregate classification.
Comment: This variant is classified as likely benign based on ACMG/AMP sequence variant interpretation guidelines (Richards et al. 2015 PMID: 25741868, with internal and published modifications).

NM_001378615.1(CC2D2A):c.3398+7A>G

Genes: CC2D2A (coiled-coil and C2 domain containing 2A; plus strand), FBXL5 (F-box and leucine rich repeat protein 5; minus strand). Cytogenetic location: 4p15.32.
Variant type: single nucleotide variant.
Coding change: c.3398+7A>G on transcript NM_001378615.1 (MANE Select); 7 bases into the intron after coding-DNA position 3398, A replaced by G.
Molecular consequence: intron variant.
Genome position (GRCh38, 1-based): chr4:15,567,793, A>G. VCF-style: chr4-15567793-A-G. GRCh37 (hg19) VCF-style: chr4-15569416-A-G.
Other names: c.3398+7A>G (NM_001080522.2); c.3251+7A>G (NM_001378617.1).
Identifiers: ClinVar variation 347896 (VCV000347896.17), dbSNP rs772784324, ClinGen allele CA2864155.